The following is an entry in ClinVar:

NM_000535.7(PMS2):c.163+5G>A

Gene: PMS2 (PMS1 homolog 2, mismatch repair system component; minus strand). Cytogenetic location: 7p22.1.
Variant type: single nucleotide variant.
Coding change: c.163+5G>A on transcript NM_000535.7 (MANE Select); 5 bases into the intron after coding-DNA position 163, G replaced by A.
Molecular consequence: intron variant.
Genome position (GRCh38, 1-based): chr7:6,005,887, C>T on the plus strand (G>A on the coding strand, the complement: PMS2 is on the minus strand). VCF-style: chr7-6005887-C-T. GRCh37 (hg19) VCF-style: chr7-6045518-C-T.
Other names: c.-52-1829G>A (NM_001322008.2); c.-242-1829G>A (NM_001322010.2, NM_001322004.2); c.-243+5G>A (NM_001322013.2, NM_001322003.2, NM_001322009.2 and 1 more transcripts); c.-722+5G>A (NM_001322012.2, NM_001322011.2); c.-322+5G>A (NM_001322015.2); c.-53+5G>A (NM_001322007.2); c.163+5G>A (NM_001322006.2, NM_001322014.2).
Identifiers: ClinVar variation 1776815 (VCV001776815.3), dbSNP rs2128843551, ClinGen allele CA2580077204.

ClinVar aggregate classification (germline): Uncertain significance (1 of 4 stars; one submission).

Conditions:
Hereditary cancer-predisposing syndrome. Also called: Tumor predisposition; Hereditary Cancer Syndrome; Hereditary neoplastic syndrome; Neoplastic Syndromes, Hereditary. Identifiers: Orphanet 140162, MedGen C0027672, MeSH D009386, MONDO:0015356.

Submission:

Ambry Genetics
Classification: Uncertain significance for Hereditary cancer-predisposing syndrome. Last evaluated: 2026-02-13. Review status: criteria provided, single submitter. Criteria: Ambry Variant Classification Scheme 2023. Collection method: clinical testing. Allele origin: germline.
Comment: The c.163+5G>A intronic variant results from a G to A substitution 5 nucleotides after coding exon 2 in the PMS2 gene. This nucleotide position is highly conserved in available vertebrate species. In silico splice site analysis predicts that this alteration will weaken the native splice donor site. Since supporting evidence is limited at this time, the clinical significance of this alteration remains unclear.